The following is an entry in ClinVar:

NM_001110556.2(FLNA):c.4814C>A (p.Thr1605Lys)

Gene: FLNA (filamin A; minus strand). Cytogenetic location: Xq28.
Variant type: single nucleotide variant.
Coding change: c.4814C>A on transcript NM_001110556.2 (MANE Select); coding-DNA position 4814, C replaced by A.
Protein change: p.Thr1605Lys; replaces threonine 1605 with lysine.
Molecular consequence: missense variant.
Genome position (GRCh38, 1-based): chrX:154,357,565, G>T on the plus strand (C>A on the coding strand, the complement: FLNA is on the minus strand). VCF-style: chrX-154357565-G-T. GRCh37 (hg19) VCF-style: chrX-153585933-G-T.
Other names: c.4814C>A, p.Thr1605Lys (NM_001456.4); short protein forms T1605K.
Identifiers: ClinVar variation 1308721 (VCV001308721.7), dbSNP rs2148109766, ClinGen allele CA415214167.

ClinVar aggregate classification (germline): Uncertain significance. Review status: criteria provided, multiple submitters, no conflicts (2 of 4 stars). 2 submissions from 2 submitters: Uncertain significance (2). Last evaluated 2025-10-26.

Conditions:
Melnick-Needles syndrome (MNS). Also called: MELNICK-NEEDLES OSTEODYSPLASTY; OSTEODYSPLASTY OF MELNICK AND NEEDLES; Melnick-Needles Syndrome (FLNA-MNS). Identifiers: Orphanet 2484, MedGen C0025237, MONDO:0010650, OMIM 309350.
Frontometaphyseal dysplasia (FMD1). Identifiers: MONDO:0015942, Orphanet 1826, MedGen C0265293.
Oto-palato-digital syndrome, type II (OPD2). Also called: Otopalatodigital Syndrome, Type II; FACIOPALATOOSSEOUS SYNDROME; OPD II SYNDROME; Otopalatodigital Syndrome Type 2 (FLNA-OPD2). Identifiers: Orphanet 669, Orphanet 90652, MedGen C1844696, MONDO:0010571, OMIM 304120.
Heterotopia, periventricular, X-linked dominant (PVNH1). Also called: X-linked periventricular heterotopia; PERIVENTRICULAR NODULAR HETEROTOPIA 4; HETEROTOPIA, PERIVENTRICULAR, 1; PERIVENTRICULAR NODULAR HETEROTOPIA 1. Identifiers: Orphanet 2149, Orphanet 82004, MedGen C1848213, MONDO:0010233, OMIM 300049.

Submissions (2):

Labcorp Genetics (formerly Invitae), Labcorp
Classification: Uncertain significance for Oto-palato-digital syndrome, type II; Heterotopia, periventricular, X-linked dominant; Frontometaphyseal dysplasia; Melnick-Needles syndrome. Last evaluated: 2025-10-26. Review status: criteria provided, single submitter. Criteria: Invitae Variant Classification Sherloc (09022015). Collection method: clinical testing. Allele origin: germline.
Comment: This sequence change replaces threonine, which is neutral and polar, with lysine, which is basic and polar, at codon 1605 of the FLNA protein (p.Thr1605Lys). This variant is not present in population databases (gnomAD no frequency). This variant has not been reported in the literature in individuals affected with FLNA-related conditions. ClinVar contains an entry for this variant (Variation ID: 1308721). Invitae Evidence Modeling of protein sequence and biophysical properties (such as structural, functional, and spatial information, amino acid conservation, physicochemical variation, residue mobility, and thermodynamic stability) indicates that this missense variant is not expected to disrupt FLNA protein function with a negative predictive value of 95%. In summary, the available evidence is currently insufficient to determine the role of this variant in disease. Therefore, it has been classified as a Variant of Uncertain Significance.

GeneDx
Classification: Uncertain significance. Last evaluated: 2020-02-16. Review status: criteria provided, single submitter. Criteria: GeneDx Variant Classification Process June 2021. Collection method: clinical testing. Allele origin: germline. Affected: yes.
Comment: Not observed in large population cohorts (Lek et al., 2016); In silico analysis supports that this missense variant has a deleterious effect on protein structure/function; Has not been previously published as pathogenic or benign to our knowledge